The following is an entry in ClinVar:

NM_000284.4(PDHA1):c.973_975del (p.Val325del)

Gene: PDHA1 (pyruvate dehydrogenase E1 subunit alpha 1; plus strand). Cytogenetic location: Xp22.12.
Variant type: Deletion.
Coding change: c.973_975del on transcript NM_000284.4 (MANE Select); coding-DNA positions 973 to 975, 3 bases deleted (GTG; older notation c.973_975delGTG).
Protein change: p.Val325del; deletes valine 325.
Genome position (GRCh38, 1-based): chrX:19,358,989-19,358,991, GTG deleted; deleting any 3 consecutive bases within chrX:19,358,987-19,358,991 gives the same sequence; the c. name uses the placement nearest the transcript's 3' end. VCF-style (leftmost placement, unchanged base first): chrX-19358986-ATGG-A. GRCh37 (hg19) VCF-style: chrX-19377104-ATGG-A.
Other names: c.1087_1089del, p.Val363del (NM_001173454.2); c.994_996del, p.Val332del (NM_001173455.2); c.880_882del, p.Val294del (NM_001173456.2); short protein forms V294del, V325del, V332del, V363del.
Identifiers: ClinVar variation 3728759 (VCV003728759.2).

ClinVar aggregate classification (germline): Likely pathogenic (1 of 4 stars; one submission).

Conditions:
Pyruvate dehydrogenase E1-alpha deficiency (PDHAD). Also called: ATAXIA WITH LACTIC ACIDOSIS I; ATAXIA, INTERMITTENT, WITH ABNORMAL PYRUVATE METABOLISM; ATAXIA, INTERMITTENT, WITH PYRUVATE DEHYDROGENASE DEFICIENCY; Ataxia, intermittent, with pyruvate dehydrogenase, or decarboxylase, deficiency. Identifiers: Orphanet 79243, MedGen C1839413, MONDO:0010717, OMIM 312170.

Submission:

Labcorp Genetics (formerly Invitae), Labcorp
Classification: Likely pathogenic for Pyruvate dehydrogenase E1-alpha deficiency. Last evaluated: 2025-01-31. Review status: criteria provided, single submitter. Criteria: Invitae Variant Classification Sherloc (09022015). Collection method: clinical testing. Allele origin: germline.
Comment: This variant, c.973_975del, results in the deletion of 1 amino acid(s) of the PDHA1 protein (p.Val325del), but otherwise preserves the integrity of the reading frame. This variant is not present in population databases (gnomAD no frequency). This variant has been observed in individual(s) with clinical features of PDHA1-related conditions (internal data). In at least one individual the variant was observed to be de novo. In summary, the currently available evidence indicates that the variant is pathogenic, but additional data are needed to prove that conclusively. Therefore, this variant has been classified as Likely Pathogenic.